The following is an entry in ClinVar:

NM_001002916.5(H2BW1):c.146G>A (p.Arg49His)

Gene: H2BW1 (H2B.W histone 1; minus strand). Cytogenetic location: Xq22.2.
Variant type: single nucleotide variant.
Coding change: c.146G>A on transcript NM_001002916.5 (MANE Select); coding-DNA position 146, G replaced by A.
Protein change: p.Arg49His; replaces arginine 49 with histidine.
Molecular consequence: missense variant.
Genome position (GRCh38, 1-based): chrX:104,013,431, C>T on the plus strand (G>A on the coding strand, the complement: H2BW1 is on the minus strand). VCF-style: chrX-104013431-C-T. GRCh37 (hg19) VCF-style: chrX-103268003-C-T.
Other names: c.230G>A (NM_001002916.4); short protein forms R49H.
Identifiers: ClinVar variation 2511408 (VCV002511408.5), dbSNP rs368442358, ClinGen allele CA10479265.

ClinVar aggregate classification (germline): Uncertain significance. Review status: criteria provided, single submitter (1 of 4 stars). 2 submissions from 2 submitters: Uncertain significance (1). 1 of the submissions does not count toward it. Last evaluated 2025-05-06.

Conditions:
H2BW1-related disorder. Also called: H2BW1-related condition.

Allele frequency attached by ClinVar (database versions not stated): ESP Exome Variant Server 0.00009.

Submissions (2):

Ambry Genetics
Classification: Uncertain significance. Last evaluated: 2025-05-06. Review status: criteria provided, single submitter. Criteria: Ambry Variant Classification Scheme 2023. Collection method: clinical testing. Allele origin: germline.

PreventionGenetics, part of Exact Sciences
Classification: Likely benign for H2BW1-related condition. Last evaluated: 2023-05-17. Review status: no assertion criteria provided. Collection method: clinical testing. Allele origin: germline. Not counted in ClinVar's aggregate classification.
Comment: This variant is classified as likely benign based on ACMG/AMP sequence variant interpretation guidelines (Richards et al. 2015 PMID: 25741868, with internal and published modifications).